The following is an entry in ClinVar:

NM_000091.5(COL4A3):c.3454G>A (p.Gly1152Ser)

Genes: MFF-DT (MFF divergent transcript; minus strand), COL4A3 (collagen type IV alpha 3 chain; plus strand). Cytogenetic location: 2q36.3.
Variant type: single nucleotide variant.
Coding change: c.3454G>A on transcript NM_000091.5 (MANE Select); coding-DNA position 3454, G replaced by A.
Protein change: p.Gly1152Ser; replaces glycine 1152 with serine.
Molecular consequence: missense variant.
Genome position (GRCh38, 1-based): chr2:227,294,999, G>A. VCF-style: chr2-227294999-G-A. GRCh37 (hg19) VCF-style: chr2-228159715-G-A.
Other names: short protein forms G1152S.
Identifiers: ClinVar variation 3234099 (VCV003234099.3), dbSNP rs749383170, ClinGen allele CA2147253.

ClinVar aggregate classification (germline): Likely pathogenic. Review status: criteria provided, multiple submitters, no conflicts (2 of 4 stars). 2 submissions from 2 submitters: Likely pathogenic (2). Last evaluated 2025-01-29.

Conditions:
Alport syndrome. Also called: Hemorrhagic familial nephritis; Hemorrhagic hereditary nephritis; Congenital hereditary hematuria. Identifiers: Orphanet 63, MedGen C1567741, MONDO:0018965.
Autosomal dominant Alport syndrome (ATS3A). Also called: Alport syndrome dominant type; Renal failure and sensorineural hearing loss; ALPORT SYNDROME 3A, AUTOSOMAL DOMINANT. Identifiers: Orphanet 63, Orphanet 88918, MedGen C5882663, MONDO:0007086, OMIM 104200.

Allele frequency attached by ClinVar (database versions not stated): gnomAD exomes below 0.00001; ExAC 0.00001.
gnomAD v4.1: 1 of 1,613,220 alleles (0.000062%); highest among the groups gnomAD compares: South Asian, 0.0011%; no homozygotes.

Submissions (2):

Natera, Inc.
Classification: Likely pathogenic for Alport syndrome. Last evaluated: 2025-01-29. Review status: criteria provided, single submitter. Criteria: Natera Variant Classification Schema (03/2026). Collection method: clinical testing. Allele origin: germline.
Comment: The c.3454G>A variant in COL4A3 is a missense variant predicted to cause substitution of glycine to serine at amino acid 1152. This variant is rare in the general population with a frequency below the threshold expected for the associated phenotype(s). This variant is located in a functionally critical region of the protein. A different variant at the same position has been determined to be Pathogenic or Likely Pathogenic. Computational prediction algorithms indicate this variant is likely to affect gene or protein function. Given the available evidence, this variant is classified as Likely Pathogenic.

MVZ Medizinische Genetik Mainz
Classification: Likely pathogenic for Autosomal dominant Alport syndrome. Last evaluated: 2022-08-31. Review status: criteria provided, single submitter. Criteria: UK Practice Guidelines For Variant Classification V4 01 2020. Collection method: clinical testing. Allele origin: germline. Inheritance: Autosomal dominant inheritance. Observed: 1 variant allele.
Comment: ACMG Criteria: PM1_STR, PM5, PS4_SUP, PM2_SUP, PP3 (ACMG Version 4)